The following is an entry in ClinVar:

NM_001082971.2(DDC):c.1189C>T (p.Arg397Cys)

Gene: DDC (dopa decarboxylase; minus strand). Cytogenetic location: 7p12.2.
Variant type: single nucleotide variant.
Coding change: c.1189C>T on transcript NM_001082971.2 (MANE Select); coding-DNA position 1189, C replaced by T.
Protein change: p.Arg397Cys; replaces arginine 397 with cysteine.
Molecular consequence: missense variant.
Genome position (GRCh38, 1-based): chr7:50,467,267, G>A on the plus strand (C>T on the coding strand, the complement: DDC is on the minus strand). VCF-style: chr7-50467267-G-A. GRCh37 (hg19) VCF-style: chr7-50534965-G-A.
Other names: c.1189C>T, p.Arg397Cys (NM_000790.4); c.1075C>T, p.Arg359Cys (NM_001242886.2); c.1045C>T, p.Arg349Cys (NM_001242887.2); c.955C>T, p.Arg319Cys (NM_001242888.2); c.910C>T, p.Arg304Cys (NM_001242889.2); short protein forms R304C, R319C, R349C, R359C, R397C.
Identifiers: ClinVar variation 1800816 (VCV001800816.3), dbSNP rs373529153, ClinGen allele CA4262030.

ClinVar aggregate classification (germline): Uncertain significance. Review status: criteria provided, multiple submitters, no conflicts (2 of 4 stars). 2 submissions from 2 submitters: Uncertain significance (2). Last evaluated 2022-05-22.

Conditions:
Deficiency of aromatic-L-amino-acid decarboxylase. Also called: AADC DEFICIENCY; DDC DEFICIENCY; DOPA DECARBOXYLASE DEFICIENCY; Aromatic L-Amino Acid Decarboxylase Deficiency; Aromatic amino acid decarboxylase deficiency. Identifiers: Orphanet 35708, MedGen C1291564, MONDO:0012084, OMIM 608643.

Allele frequency attached by ClinVar (database versions not stated): ExAC 0.00001; TOPMed 0.00002; ESP Exome Variant Server 0.00008.
gnomAD v4.1: 14 of 1,614,182 alleles (0.00087%); highest among the groups gnomAD compares: East Asian, 0.0022%; no homozygotes.

Submissions (2):

GeneDx
Classification: Uncertain significance. Last evaluated: 2022-05-22. Review status: criteria provided, single submitter. Criteria: GeneDx Variant Classification Process June 2021. Collection method: clinical testing. Allele origin: germline. Affected: yes.
Comment: Not observed at significant frequency in large population cohorts (gnomAD); In silico analysis supports that this missense variant has a deleterious effect on protein structure/function; Has not been previously published as pathogenic or benign to our knowledge

Labcorp Genetics (formerly Invitae), Labcorp
Classification: Uncertain significance for Deficiency of aromatic-L-amino-acid decarboxylase. Last evaluated: 2022-02-20. Review status: criteria provided, single submitter. Criteria: Invitae Variant Classification Sherloc (09022015). Collection method: clinical testing. Allele origin: germline.
Comment: This sequence change replaces arginine, which is basic and polar, with cysteine, which is neutral and slightly polar, at codon 397 of the DDC protein (p.Arg397Cys). This variant is present in population databases (rs373529153, gnomAD 0.007%). This variant has not been reported in the literature in individuals affected with DDC-related conditions. Algorithms developed to predict the effect of missense changes on protein structure and function output the following: SIFT: "Deleterious"; PolyPhen-2: "Benign"; Align-GVGD: "Class C35". The cysteine amino acid residue is found in multiple mammalian species, which suggests that this missense change does not adversely affect protein function. In summary, the available evidence is currently insufficient to determine the role of this variant in disease. Therefore, it has been classified as a Variant of Uncertain Significance.